The following is an entry in ClinVar:

NM_171998.4(RAB39B):c.199G>T (p.Gly67Cys)

Gene: RAB39B (RAB39B, member RAS oncogene family; minus strand). Cytogenetic location: Xq28.
Variant type: single nucleotide variant.
Coding change: c.199G>T on transcript NM_171998.4 (MANE Select); coding-DNA position 199, G replaced by T.
Protein change: p.Gly67Cys; replaces glycine 67 with cysteine.
Molecular consequence: missense variant.
Genome position (GRCh38, 1-based): chrX:155,264,090, C>A on the plus strand (G>T on the coding strand, the complement: RAB39B is on the minus strand). VCF-style: chrX-155264090-C-A. GRCh37 (hg19) VCF-style: chrX-154493375-C-A.
Other names: short protein forms G67C.
Identifiers: ClinVar variation 3901193 (VCV003901193.1).

ClinVar aggregate classification (germline): Uncertain significance (1 of 4 stars; one submission).

Conditions:
Intellectual developmental disorder, X-linked 72. Also called: Intellectual disability, X-linked 72. Identifiers: Orphanet 777, MedGen C1846038, MONDO:0010289, OMIM 300271.

Submission:

Institute of Human Genetics, University of Leipzig Medical Center
Classification: Uncertain significance for Intellectual developmental disorder, X-linked 72. Last evaluated: 2025-05-22. Review status: criteria provided, single submitter. Criteria: ACMG Guidelines, 2015. Collection method: clinical testing. Allele origin: unknown. Inheritance: X-linked recessive inheritance. Affected: yes.
Comment: Criteria applied: PM2,PM5_SUP,PP3